The following is an entry in ClinVar:

NC_000023.10:g.(?_153577207)_(153650075_?)dup

Genes: EMD (emerin; plus strand), DNASE1L1 (deoxyribonuclease 1 like 1; minus strand), FLNA (filamin A; minus strand), RPL10 (ribosomal protein L10; plus strand), TAFAZZIN (tafazzin, phospholipid-lysophospholipid transacylase; plus strand). Cytogenetic location: Xq28.
Variant type: Duplication.
Identifiers: ClinVar variation 659583 (VCV000659583.1).

ClinVar aggregate classification (germline): Uncertain significance (1 of 4 stars; one submission).

Conditions:
Frontometaphyseal dysplasia 1 (FMD1). Also called: Frontometaphyseal Dysplasia (FLNA-FMD). Identifiers: Orphanet 1826, MedGen C4281559, MONDO:0024550, OMIM 305620.
Oto-palato-digital syndrome, type II (OPD2). Also called: FACIOPALATOOSSEOUS SYNDROME; Otopalatodigital Syndrome, Type II; Otopalatodigital Syndrome Type 2 (FLNA-OPD2); OPD II SYNDROME. Identifiers: Orphanet 669, Orphanet 90652, MedGen C1844696, MONDO:0010571, OMIM 304120.
Heterotopia, periventricular, X-linked dominant (PVNH1). Also called: PERIVENTRICULAR NODULAR HETEROTOPIA 4; HETEROTOPIA, PERIVENTRICULAR, 1; PERIVENTRICULAR NODULAR HETEROTOPIA 1; X-linked periventricular heterotopia. Identifiers: Orphanet 2149, Orphanet 82004, MedGen C1848213, MONDO:0010233, OMIM 300049.
Melnick-Needles syndrome (MNS). Also called: Melnick-Needles Syndrome (FLNA-MNS); MELNICK-NEEDLES OSTEODYSPLASTY; OSTEODYSPLASTY OF MELNICK AND NEEDLES. Identifiers: Orphanet 2484, MedGen C0025237, MONDO:0010650, OMIM 309350.

Submission:

Labcorp Genetics (formerly Invitae), Labcorp
Classification: Uncertain significance for Oto-palato-digital syndrome, type II; Periventricular nodular heterotopia 1; Frontometaphyseal dysplasia; Melnick-Needles syndrome. Last evaluated: 2018-11-12. Review status: criteria provided, single submitter. Criteria: Invitae Variant Classification Sherloc (09022015). Collection method: clinical testing. Allele origin: germline.
Comment: This variant results in a copy number gain of the genomic region encompassing the full coding sequence of the FLNA gene. The boundaries of this event are unknown as they extend beyond the assayed region for this gene and therefore may encompass additional genes. As the precise location of this event is unknown, it may be in tandem or it may be located elsewhere in the genome. This variant has not been reported in the literature in individuals with FLNA-related disease. In summary, the available evidence is currently insufficient to determine the role of this variant in disease. Therefore, it has been classified as a Variant of Uncertain Significance.